The following is an entry in ClinVar:

ClinVar aggregate classification (germline): Uncertain significance (1 of 4 stars; one submission).

Allele frequency attached by ClinVar (database versions not stated): gnomAD exomes below 0.00001; TOPMed below 0.00001; ExAC 0.00001.
gnomAD v4.1: 3 of 1,601,992 alleles (0.00019%); highest among the groups gnomAD compares: Non-Finnish European, 0.00026%; no homozygotes.

Submission:

Labcorp Genetics (formerly Invitae), Labcorp
Classification: Uncertain significance. Last evaluated: 2022-10-25. Review status: criteria provided, single submitter. Criteria: Invitae Variant Classification Sherloc (09022015). Collection method: clinical testing. Allele origin: germline.
Comment: In summary, the available evidence is currently insufficient to determine the role of this variant in disease. Therefore, it has been classified as a Variant of Uncertain Significance. This variant has not been reported in the literature in individuals affected with CACNA1D-related conditions. Algorithms developed to predict the effect of missense changes on protein structure and function are either unavailable or do not agree on the potential impact of this missense change (SIFT: "Deleterious"; PolyPhen-2: "Benign"; Align-GVGD: "Class C0"). This sequence change replaces serine, which is neutral and polar, with asparagine, which is neutral and polar, at codon 802 of the CACNA1D protein (p.Ser802Asn). This variant is present in population databases (rs759455399, gnomAD 0.0009%).

NM_001128840.3(CACNA1D):c.2345G>A (p.Ser782Asn)

Gene: CACNA1D (calcium voltage-gated channel subunit alpha1 D; plus strand). Cytogenetic location: 3p21.1.
Variant type: single nucleotide variant.
Coding change: c.2345G>A on transcript NM_001128840.3 (MANE Select); coding-DNA position 2345, G replaced by A.
Protein change: p.Ser782Asn; replaces serine 782 with asparagine.
Molecular consequence: missense variant.
Genome position (GRCh38, 1-based): chr3:53,731,085, G>A. VCF-style: chr3-53731085-G-A. GRCh37 (hg19) VCF-style: chr3-53765112-G-A.
Other names: c.2405G>A, p.Ser802Asn (NM_000720.4); c.2345G>A, p.Ser782Asn (NM_001128839.3); short protein forms S802N, S782N.
Identifiers: ClinVar variation 2169436 (VCV002169436.4), dbSNP rs759455399, ClinGen allele CA2454212.
Genomic context (GRCh38, chr3:53,731,085, plus strand): 5'-TACAGAGTAACATGGTTATTTGGTTTCTTGTGCTCTTTTCTCTTCTCTTTAGAAAAGAGA[G>A]CCTAGAAAATAAAAAGAACAACAAACCAGAAGTCAACCAGATAGCCAACAGTGACAACAA-3'
Protein context (NP_001122312.1, residues 772-792): KERKKIARKE[Ser782Asn]LENKKNNKPE